The following is an entry in ClinVar:

NM_005419.4(STAT2):c.1465C>G (p.Pro489Ala)

Gene: STAT2 (signal transducer and activator of transcription 2; minus strand). Cytogenetic location: 12q13.3.
Variant type: single nucleotide variant.
Coding change: c.1465C>G on transcript NM_005419.4 (MANE Select); coding-DNA position 1465, C replaced by G.
Protein change: p.Pro489Ala; replaces proline 489 with alanine.
Molecular consequence: missense variant. On other transcripts: intron variant (1).
Genome position (GRCh38, 1-based): chr12:56,349,035, G>C on the plus strand (C>G on the coding strand, the complement: STAT2 is on the minus strand). VCF-style: chr12-56349035-G-C. GRCh37 (hg19) VCF-style: chr12-56742819-G-C.
Other names: c.1366C>G, p.Pro456Ala (NM_001385111.1); c.1465C>G, p.Pro489Ala (NM_001385113.1); c.1444C>G, p.Pro482Ala (NM_001385114.1); c.1453C>G, p.Pro485Ala (NM_198332.2); c.1429-6C>G (NM_001385115.1); c.1432C>G, p.Pro478Ala (NM_001385110.1); short protein forms P456A, P478A, P482A, P485A, P489A.
Identifiers: ClinVar variation 1959747 (VCV001959747.5), dbSNP rs149351309, ClinGen allele CA385260807.
Genomic context (GRCh38, chr12:56,349,035, plus strand): 5'-CAACATAGGAGGAGAACTGCCAACTGAGAGCAGGGCCCAGCAAGCTCCAGGGGGCCTTGG[G>C]GGGGTTGGAGAAGAACTGCTGGTTCTGCAGGGGTGGGAGCAGTGTAGGCTGGCTCAGAAG-3'
Protein context (NP_005410.1, residues 479-499): LQNQQFFSNP[Pro489Ala]KAPWSLLGPA

ClinVar aggregate classification (germline): Uncertain significance (1 of 4 stars; one submission).

Conditions:
Primary immunodeficiency with post-measles-mumps-rubella vaccine viral infection. Also called: Immunodeficiency 44. Identifiers: Orphanet 431166, MedGen C4225260, MONDO:0014715, OMIM 616636.

gnomAD v4.1: 30 of 1,613,638 alleles (0.0019%); highest among the groups gnomAD compares: South Asian, 0.0033%; no homozygotes.

Submission:

Labcorp Genetics (formerly Invitae), Labcorp
Classification: Uncertain significance for Primary immunodeficiency with post-measles-mumps-rubella vaccine viral infection. Last evaluated: 2022-07-04. Review status: criteria provided, single submitter. Criteria: Invitae Variant Classification Sherloc (09022015). Collection method: clinical testing. Allele origin: germline.
Comment: In summary, the available evidence is currently insufficient to determine the role of this variant in disease. Therefore, it has been classified as a Variant of Uncertain Significance. Algorithms developed to predict the effect of sequence changes on RNA splicing suggest that this variant may disrupt the consensus splice site. Advanced modeling of protein sequence and biophysical properties (such as structural, functional, and spatial information, amino acid conservation, physicochemical variation, residue mobility, and thermodynamic stability) performed at Invitae indicates that this missense variant is expected to disrupt STAT2 protein function. This variant has not been reported in the literature in individuals affected with STAT2-related conditions. This variant is present in population databases (no rsID available, gnomAD 0.003%). This sequence change replaces proline, which is neutral and non-polar, with alanine, which is neutral and non-polar, at codon 489 of the STAT2 protein (p.Pro489Ala).